The following is an entry in ClinVar:

NM_001127671.2(LIFR):c.94A>G (p.Thr32Ala)

Gene: LIFR (LIF receptor subunit alpha; minus strand). Cytogenetic location: 5p13.1.
Variant type: single nucleotide variant.
Coding change: c.94A>G on transcript NM_001127671.2 (MANE Select); coding-DNA position 94, A replaced by G.
Protein change: p.Thr32Ala; replaces threonine 32 with alanine.
Molecular consequence: missense variant.
Genome position (GRCh38, 1-based): chr5:38,530,554, T>C on the plus strand (A>G on the coding strand, the complement: LIFR is on the minus strand). VCF-style: chr5-38530554-T-C. GRCh37 (hg19) VCF-style: chr5-38530656-T-C.
Other names: c.94A>G, p.Thr32Ala (NM_001364297.2, NM_001364298.2, NM_002310.6); short protein forms T32A.
Identifiers: ClinVar variation 3704107 (VCV003704107.1).
Genomic context (GRCh38, chr5:38,530,554, plus strand): 5'-TGATGCACTTACCCTTTTTCTGGCTATTTACTTGATTCATTAGATATAGAAGAATAAATG[T>C]TGATAACAGCCACTGGAAATTTGAAGCAGTCCTCATTCTTTTATTGTCCACCATCCAGGA-3'
Protein context (NP_001121143.1, residues 22-42): TASNFQWLLS[Thr32Ala]FILLYLMNQV

ClinVar aggregate classification (germline): Uncertain significance (1 of 4 stars; one submission).

gnomAD v4.1: 122 of 1,613,242 alleles (0.0076%); highest among the groups gnomAD compares: South Asian, 0.12%; no homozygotes.

Submission:

Labcorp Genetics (formerly Invitae), Labcorp
Classification: Uncertain significance. Last evaluated: 2024-06-25. Review status: criteria provided, single submitter. Criteria: Invitae Variant Classification Sherloc (09022015). Collection method: clinical testing. Allele origin: germline.
Comment: This sequence change replaces threonine, which is neutral and polar, with alanine, which is neutral and non-polar, at codon 32 of the LIFR protein (p.Thr32Ala). This variant is present in population databases (rs529625236, gnomAD 0.1%). This variant has not been reported in the literature in individuals affected with LIFR-related conditions. Algorithms developed to predict the effect of missense changes on protein structure and function output the following: SIFT: "Not Available"; PolyPhen-2: "Benign"; Align-GVGD: "Not Available". The alanine amino acid residue is found in multiple mammalian species, which suggests that this missense change does not adversely affect protein function. In summary, the available evidence is currently insufficient to determine the role of this variant in disease. Therefore, it has been classified as a Variant of Uncertain Significance.